The following is an entry in ClinVar:

NM_004539.4(NARS1):c.935G>C (p.Gly312Ala)

Gene: NARS1 (asparaginyl-tRNA synthetase 1; minus strand). Cytogenetic location: 18q21.31.
Variant type: single nucleotide variant.
Coding change: c.935G>C on transcript NM_004539.4 (MANE Select); coding-DNA position 935, G replaced by C.
Protein change: p.Gly312Ala; replaces glycine 312 with alanine.
Molecular consequence: missense variant.
Genome position (GRCh38, 1-based): chr18:57,607,200, C>G on the plus strand (G>C on the coding strand, the complement: NARS1 is on the minus strand). VCF-style: chr18-57607200-C-G. GRCh37 (hg19) VCF-style: chr18-55274432-C-G.
Other names: short protein forms G312A.
Identifiers: ClinVar variation 1703959 (VCV001703959.2), dbSNP rs2122430031, ClinGen allele CA402547263.

ClinVar aggregate classification (germline): Uncertain significance (1 of 4 stars; one submission).

Allele frequency attached by ClinVar (database versions not stated): gnomAD exomes below 0.00001.
gnomAD v4.1: 1 of 1,614,106 alleles (0.000062%); highest among the groups gnomAD compares: Non-Finnish European, 0.000085%; no homozygotes.

Submission:

GeneDx
Classification: Uncertain significance. Last evaluated: 2022-03-04. Review status: criteria provided, single submitter. Criteria: GeneDx Variant Classification Process June 2021. Collection method: clinical testing. Allele origin: germline. Affected: yes.
Comment: Not observed at significant frequency in large population cohorts (gnomAD); In silico analysis supports that this missense variant has a deleterious effect on protein structure/function; Has not been previously published as pathogenic or benign to our knowledge